The following is an entry in ClinVar:

NM_017514.5(PLXNA3):c.4915G>A (p.Asp1639Asn)

Gene: PLXNA3 (plexin A3; plus strand). Cytogenetic location: Xq28.
Variant type: single nucleotide variant.
Coding change: c.4915G>A on transcript NM_017514.5 (MANE Select); coding-DNA position 4915, G replaced by A.
Protein change: p.Asp1639Asn; replaces aspartic acid 1639 with asparagine.
Molecular consequence: missense variant.
Genome position (GRCh38, 1-based): chrX:154,470,096, G>A. VCF-style: chrX-154470096-G-A. GRCh37 (hg19) VCF-style: chrX-153698439-G-A.
Other names: short protein forms D1639N.
Identifiers: ClinVar variation 2634062 (VCV002634062.3), dbSNP rs375138921, ClinGen allele CA10565000.

ClinVar aggregate classification (germline): Uncertain significance (1 of 4 stars; one submission).

Conditions:
PLXNA3-related disorder. Also called: PLXNA3-related condition.

Allele frequency attached by ClinVar (database versions not stated): ExAC 0.00008; TOPMed 0.00008; ESP Exome Variant Server 0.00009; gnomAD 0.00014; gnomAD exomes 0.00015; 1000 Genomes Project 30x 0.00021; 1000 Genomes Project 0.00026.

Submission:

PreventionGenetics, part of Exact Sciences
Classification: Uncertain significance for PLXNA3-related condition. Last evaluated: 2026-04-04. Review status: criteria provided, single submitter. Criteria: ACMG Guidelines, 2015. Collection method: clinical testing. Allele origin: germline.
Comment: The PLXNA3 c.4915G>A variant is predicted to result in the amino acid substitution p.Asp1639Asn. This variant has been reported in a large cohort study of individuals with X-linked intellectual disability (Hu et al. 2016. PubMed ID: 25644381, Supplementary Table 1). However, no additional studies were performed to help assess the pathogenicity of this variant. This variant is reported in 0.015% of alleles in individuals of European (Non-Finnish) descent and documented in 7 hemizygous individuals in gnomAD. Although we suspect that this variant may be benign, at this time, the clinical significance of this variant is uncertain due to the absence of conclusive functional and genetic evidence.